The following is an entry in ClinVar:

NM_021072.4(HCN1):c.2317G>C (p.Ala773Pro)

Gene: HCN1 (hyperpolarization activated cyclic nucleotide gated potassium channel 1; minus strand). Cytogenetic location: 5p12.
Variant type: single nucleotide variant.
Coding change: c.2317G>C on transcript NM_021072.4 (MANE Select); coding-DNA position 2317, G replaced by C.
Protein change: p.Ala773Pro; replaces alanine 773 with proline.
Molecular consequence: missense variant.
Genome position (GRCh38, 1-based): chr5:45,262,277, C>G on the plus strand (G>C on the coding strand, the complement: HCN1 is on the minus strand). VCF-style: chr5-45262277-C-G. GRCh37 (hg19) VCF-style: chr5-45262379-C-G.
Other names: short protein forms A773P.
Identifiers: ClinVar variation 4986257 (VCV004986257.1).
Genomic context (GRCh38, chr5:45,262,277, plus strand): 5'-GCGAGGGCTGCGAGGCGGAGAGTGGCCTGACTTCCCGGGTCAGGTTGGTGTTGTGAAGCG[C>G]CTGCGTGCTCTTGTGCACTTCATTTTTCGGCGTGGAGCTGCCAGGTGTCTGTGGCTGCGG-3'
Protein context (NP_066550.2, residues 763-783): PKNEVHKSTQ[Ala773Pro]LHNTNLTREV

ClinVar aggregate classification (germline): Uncertain significance (1 of 4 stars; one submission).

Conditions:
HCN1-related disorder. Also called: HCN1-related condition; HCN1-related disorders.

gnomAD v4.1: 1 of 1,614,006 alleles (0.000062%); highest among the groups gnomAD compares: South Asian, 0.0011%; no homozygotes.

Submission:

PreventionGenetics, part of Exact Sciences
Classification: Uncertain significance for HCN1-related condition. Last evaluated: 2026-01-11. Review status: criteria provided, single submitter. Criteria: ACMG Guidelines, 2015. Collection method: clinical testing. Allele origin: germline.
Comment: The HCN1 c.2317G>C variant is predicted to result in the amino acid substitution p.Ala773Pro. This variant was reported in an individual with epilepsy and autism spectrum disorder (Table S6, Ganapathy et al. 2019. PubMed ID: 31069529). This variant has not been reported in a large population database (gnomAD), indicating this variant is rare. At this time, the clinical significance of this variant is uncertain due to the absence of conclusive functional and genetic evidence.